The following is an entry in ClinVar:

ClinVar aggregate classification (germline): Uncertain significance (1 of 4 stars; one submission).

Conditions:
Familial sleep-related hypermotor epilepsy. Also called: Autosomal Dominant Sleep-Related Hypermotor (Hyperkinetic) Epilepsy. Identifiers: Orphanet 98784, MedGen C3696898, MONDO:0000030.

Allele frequency attached by ClinVar (database versions not stated): gnomAD 0.00001; gnomAD exomes 0.00001 and below 0.00001; 1000 Genomes Project 30x 0.00016; 1000 Genomes Project 0.00020.
gnomAD v4.1: 3 of 1,613,932 alleles (0.00019%); highest among the groups gnomAD compares: East Asian, 0.0067%; no homozygotes.

Submission:

Labcorp Genetics (formerly Invitae), Labcorp
Classification: Uncertain significance. Last evaluated: 2020-06-06. Review status: criteria provided, single submitter. Criteria: Invitae Variant Classification Sherloc (09022015). Collection method: clinical testing. Allele origin: germline.
Comment: This sequence change replaces proline with alanine at codon 34 of the CHRNA2 protein (p.Pro34Ala). The proline residue is weakly conserved and there is a small physicochemical difference between proline and alanine. This variant is not present in population databases (ExAC no frequency). This variant has not been reported in the literature in individuals with CHRNA2-related conditions. Algorithms developed to predict the effect of missense changes on protein structure and function output the following: SIFT: Tolerated; PolyPhen-2: Benign; Align-GVGD: Class C0. The alanine amino acid residue is found in multiple mammalian species, suggesting that this missense change does not adversely affect protein function. These predictions have not been confirmed by published functional studies and their clinical significance is uncertain. In summary, the available evidence is currently insufficient to determine the role of this variant in disease. Therefore, it has been classified as a Variant of Uncertain Significance.

NM_000742.4(CHRNA2):c.100C>G (p.Pro34Ala)

Gene: CHRNA2 (cholinergic receptor nicotinic alpha 2 subunit; minus strand). Cytogenetic location: 8p21.2.
Variant type: single nucleotide variant.
Coding change: c.100C>G on transcript NM_000742.4 (MANE Select); coding-DNA position 100, C replaced by G.
Protein change: p.Pro34Ala; replaces proline 34 with alanine.
Molecular consequence: missense variant. On other transcripts: 5 prime UTR variant (4).
Genome position (GRCh38, 1-based): chr8:27,469,955, G>C on the plus strand (C>G on the coding strand, the complement: CHRNA2 is on the minus strand). VCF-style: chr8-27469955-G-C. GRCh37 (hg19) VCF-style: chr8-27327472-G-C.
Other names: c.100C>G, p.Pro34Ala (NM_001282455.2); c.-328C>G (NM_001347705.2); c.-373C>G (NM_001347706.2); c.-314C>G (NM_001347707.2); c.-362C>G (NM_001347708.2); short protein forms P34A.
Identifiers: ClinVar variation 858729 (VCV000858729.2), dbSNP rs538453326, ClinGen allele CA174247757.
Genomic context (GRCh38, chr8:27,469,955, plus strand): 5'-AGCCTCCCTGCGGCAATGCCGTGGGACTGGGAGAGGAGAGTGGGTCTCCAGGAGCCCTGG[G>C]AGGTGGGCGCTTAGCTTCCTCTCCACCTGCCATCAAATCAGAGCCACTCAGCCTCACTGA-3'
Protein context (NP_000733.2, residues 24-44): AGGEEAKRPP[Pro34Ala]RAPGDPLSSP